The following is an entry in ClinVar:

ClinVar aggregate classification (germline): Conflicting classifications of pathogenicity. Review status: criteria provided, conflicting classifications (1 of 4 stars). 5 submissions from 5 submitters: Uncertain significance (2); Likely benign (3). Last evaluated 2024-10-31.

Conditions:
Ataxia-telangiectasia syndrome (AT). Also called: Cerebello-oculocutaneous telangiectasia; Immunodeficiency with ataxia telangiectasia; ATAXIA-TELANGIECTASIA, COMPLEMENTATION GROUP A; Ataxia-telangiectasia, complementation group D; AT, COMPLEMENTATION GROUP C; ATAXIA-TELANGIECTASIA, FRESNO VARIANT. Identifiers: Orphanet 100, MedGen C0004135, MONDO:0008840, OMIM 208900.
Familial cancer of breast. Also called: BREAST CANCER, FAMILIAL; Hereditary breast cancer; hereditary breast carcinoma. Identifiers: Orphanet 227535, MedGen C0346153, MONDO:0016419, OMIM 114480. Disease mechanism: loss of function.
Hereditary cancer-predisposing syndrome. Also called: Tumor predisposition; Neoplastic Syndromes, Hereditary; Hereditary Cancer Syndrome; Hereditary neoplastic syndrome. Identifiers: Orphanet 140162, MedGen C0027672, MeSH D009386, MONDO:0015356.

gnomAD v4.1: 2 of 1,613,784 alleles (0.00012%); highest among the groups gnomAD compares: Non-Finnish European, 0.00017%; no homozygotes.

Submissions (5):

Department of Pathology and Laboratory Medicine, Sinai Health System
Classification: Uncertain significance for Familial cancer of breast; Ataxia-telangiectasia syndrome. Last evaluated: 2024-10-31. Review status: criteria provided, single submitter. Criteria: ACMG Guidelines, 2015. Collection method: clinical testing. Allele origin: germline.

Labcorp Genetics (formerly Invitae), Labcorp
Classification: Likely benign for Ataxia-telangiectasia syndrome. Last evaluated: 2024-06-25. Review status: criteria provided, single submitter. Criteria: Invitae Variant Classification Sherloc (09022015). Collection method: clinical testing. Allele origin: germline.

Color Diagnostics, LLC DBA Color Health
Classification: Uncertain significance for Hereditary cancer-predisposing syndrome. Last evaluated: 2021-11-02. Review status: criteria provided, single submitter. Criteria: ACMG Guidelines, 2015. Collection method: clinical testing. Allele origin: germline.
Comment: This variant causes a T to G nucleotide substitution at the +4 position of intron 5 of the ATM gene. To our knowledge, functional studies have not been reported for this variant. This variant has not been reported in individuals affected with hereditary cancer in the literature. This variant has been identified in 1/251312 chromosomes in the general population by the Genome Aggregation Database (gnomAD). The available evidence is insufficient to determine the role of this variant in disease conclusively. Therefore, this variant is classified as a Variant of Uncertain Significance.

Ambry Genetics
Classification: Likely benign for Hereditary cancer-predisposing syndrome. Last evaluated: 2019-09-20. Review status: criteria provided, single submitter. Criteria: Ambry Variant Classification Scheme 2023. Collection method: clinical testing. Allele origin: germline.

GeneDx
Classification: Likely benign. Last evaluated: 2017-03-15. Review status: criteria provided, single submitter. Criteria: GeneDx Variant Classification (06012015). Collection method: clinical testing. Allele origin: germline. Affected: yes.
Comment: This variant is considered likely benign or benign based on one or more of the following criteria: it is a conservative change, it occurs at a poorly conserved position in the protein, it is predicted to be benign by multiple in silico algorithms, and/or has population frequency not consistent with disease.

NM_000051.4(ATM):c.496+4T>G

Gene: ATM (ATM serine/threonine kinase; plus strand). Cytogenetic location: 11q22.3.
Variant type: single nucleotide variant.
Coding change: c.496+4T>G on transcript NM_000051.4 (MANE Select); 4 bases into the intron after coding-DNA position 496, T replaced by G.
Molecular consequence: intron variant.
Genome position (GRCh38, 1-based): chr11:108,235,838, T>G. VCF-style: chr11-108235838-T-G. GRCh37 (hg19) VCF-style: chr11-108106565-T-G.
Other names: c.496+4T>G (NM_001351834.2).
Identifiers: ClinVar variation 479039 (VCV000479039.19), dbSNP rs587781375, ClinGen allele CA382525828.